The following is an entry in ClinVar:

ClinVar aggregate classification (germline): Uncertain significance (1 of 4 stars; one submission).

Allele frequency attached by ClinVar (database versions not stated): gnomAD exomes 0.00010 and 0.00016; TOPMed 0.00010; gnomAD 0.00011; ExAC 0.00015; ESP Exome Variant Server 0.00031.
gnomAD v4.1: 165 of 1,612,792 alleles (0.01%); highest among the groups gnomAD compares: Middle Eastern, 0.033%; no homozygotes.

Submission:

Labcorp Genetics (formerly Invitae), Labcorp
Classification: Uncertain significance. Last evaluated: 2025-12-08. Review status: criteria provided, single submitter. Criteria: Invitae Variant Classification Sherloc (09022015). Collection method: clinical testing. Allele origin: germline.
Comment: This sequence change replaces asparagine, which is neutral and polar, with serine, which is neutral and polar, at codon 154 of the ADGRA3 protein (p.Asn154Ser). This variant is present in population databases (rs61736472, gnomAD 0.05%). This variant has not been reported in the literature in individuals affected with ADGRA3-related conditions. ClinVar contains an entry for this variant (Variation ID: 846109). An algorithm developed to predict the effect of missense changes on protein structure and function (PolyPhen-2) suggests that this variant is likely to be tolerated. In summary, the available evidence is currently insufficient to determine the role of this variant in disease. Therefore, it has been classified as a Variant of Uncertain Significance.

NM_145290.4(ADGRA3):c.461A>G (p.Asn154Ser)

Gene: ADGRA3 (adhesion G protein-coupled receptor A3; minus strand). Cytogenetic location: 4p15.2.
Variant type: single nucleotide variant.
Coding change: c.461A>G on transcript NM_145290.4 (MANE Select); coding-DNA position 461, A replaced by G.
Protein change: p.Asn154Ser; replaces asparagine 154 with serine.
Molecular consequence: missense variant.
Genome position (GRCh38, 1-based): chr4:22,454,878, T>C on the plus strand (A>G on the coding strand, the complement: ADGRA3 is on the minus strand). VCF-style: chr4-22454878-T-C. GRCh37 (hg19) VCF-style: chr4-22456501-T-C.
Other names: short protein forms N154S.
Identifiers: ClinVar variation 846109 (VCV000846109.7), dbSNP rs61736472, ClinGen allele CA2874256.
Genomic context (GRCh38, chr4:22,454,878, plus strand): 5'-GCTCAAATGCTTCCTTATCTTTTAATGGGAAAGAAAAGATATACTTACAGCCGAACCAGA[T>C]TGGTGAGTCCTCGAAATATGTCTGCATTCAGACATCCTATTCGATTGTTTGTCAGATCCC-3'
Protein context (NP_660333.2, residues 144-164): LNADIFRGLT[Asn154Ser]LVRLNLSGNL